The following is an entry in ClinVar:

NM_000466.3(PEX1):c.3214del (p.Ser1072fs)

Genes: GATAD1 (GATA zinc finger domain containing 1; plus strand), PEX1 (peroxisomal biogenesis factor 1; minus strand). Cytogenetic location: 7q21.2.
Variant type: Deletion.
Coding change: c.3214del on transcript NM_000466.3 (MANE Select); coding-DNA position 3214, one base deleted (A; older notation c.3214delA).
Protein change: p.Ser1072fs; shifts the reading frame from serine 1072.
Molecular consequence: frameshift variant.
Genome position (GRCh38, 1-based): chr7:92,491,496, T deleted on the plus strand (A on the coding strand, the reverse complement: PEX1 is on the minus strand); the first of 2 consecutive T bases (chr7:92,491,496-92,491,497); deleting either gives the same sequence. VCF-style (leftmost placement, unchanged base first): chr7-92491495-CT-C. GRCh37 (hg19) VCF-style: chr7-92120809-CT-C.
Other names: c.3043del, p.Ser1015fs (NM_001282677.2); c.2590del, p.Ser864fs (NM_001282678.2); short protein forms S1015fs, S1072fs, S864fs.
Identifiers: ClinVar variation 5016311 (VCV005016311.1).
Genomic context (GRCh38, chr7:92,491,495, plus strand): 5'-CCACTGCTATGGTTAAGAAAGACCATTGAAGACAGACTTAGGTCACTATCAGAGCTGGAA[CT>C]TCCATCCTAAAATACACAAAAGGACAACCAGTTTAAAGATGTAAACAATTTTAGTCTCAG-3'

ClinVar aggregate classification (germline): Pathogenic (1 of 4 stars; one submission).

Conditions:
Peroxisome biogenesis disorder. Identifiers: Orphanet 79189, MedGen C1832200, MONDO:0019234. Disease mechanism: loss of function.

Submission:

Myriad Genetics, Inc.
Classification: Pathogenic for Peroxisome biogenesis disorder. Last evaluated: 2026-09-03. Review status: criteria provided, single submitter. Criteria: Myriad Autosomal Dominant, Autosomal Recessive and X-Linked Classification Criteria (2023). Collection method: clinical testing. Allele origin: unknown.
Comment: NM_000466.2(PEX1):c.3214delA(S1072Vfs*8) is expected to be pathogenic in the context of peroxisome biogenesis disorder type 1. This variant is predicted to lead to an abnormal or absent protein product due to the creation of a premature termination codon in PEX1, a gene where loss-of-function variants are known to be pathogenic. Please note: this variant was assessed in the context of healthy population screening.